The following is an entry in ClinVar:

ClinVar aggregate classification (germline): Uncertain significance. Review status: criteria provided, multiple submitters, no conflicts (2 of 4 stars). 2 submissions from 2 submitters: Uncertain significance (2). Last evaluated 2025-08-23.

Conditions:
Inborn genetic diseases. Identifiers: MedGen C0950123, MeSH D030342.

Allele frequency attached by ClinVar (database versions not stated): TOPMed 0.00001; gnomAD 0.00002 and 0.00003; gnomAD exomes 0.00002; ExAC 0.00004.
gnomAD v4.1: 36 of 1,613,628 alleles (0.0022%); highest among the groups gnomAD compares: East Asian, 0.0045%; no homozygotes.

Submissions (2):

Ambry Genetics
Classification: Uncertain significance for Inborn genetic diseases. Last evaluated: 2025-08-23. Review status: criteria provided, single submitter. Criteria: Ambry Variant Classification Scheme 2023. Collection method: clinical testing. Allele origin: germline.

Labcorp Genetics (formerly Invitae), Labcorp
Classification: Uncertain significance. Last evaluated: 2023-07-10. Review status: criteria provided, single submitter. Criteria: Invitae Variant Classification Sherloc (09022015). Collection method: clinical testing. Allele origin: germline.
Comment: In summary, the available evidence is currently insufficient to determine the role of this variant in disease. Therefore, it has been classified as a Variant of Uncertain Significance. An algorithm developed to predict the effect of missense changes on protein structure and function (PolyPhen-2) suggests that this variant is likely to be disruptive. ClinVar contains an entry for this variant (Variation ID: 1481384). This variant has not been reported in the literature in individuals affected with HSPG2-related conditions. This variant is present in population databases (rs769938895, gnomAD 0.005%). This sequence change replaces proline, which is neutral and non-polar, with leucine, which is neutral and non-polar, at codon 2885 of the HSPG2 protein (p.Pro2885Leu).

NM_005529.7(HSPG2):c.8654C>T (p.Pro2885Leu)

Gene: HSPG2 (heparan sulfate proteoglycan 2; minus strand). Cytogenetic location: 1p36.12.
Variant type: single nucleotide variant.
Coding change: c.8654C>T on transcript NM_005529.7 (MANE Select); coding-DNA position 8654, C replaced by T.
Protein change: p.Pro2885Leu; replaces proline 2885 with leucine.
Molecular consequence: missense variant.
Genome position (GRCh38, 1-based): chr1:21,843,401, G>A on the plus strand (C>T on the coding strand, the complement: HSPG2 is on the minus strand). VCF-style: chr1-21843401-G-A. GRCh37 (hg19) VCF-style: chr1-22169894-G-A.
Other names: c.8657C>T, p.Pro2886Leu (NM_001291860.2); c.8654C>T (NM_005529.5); short protein forms P2886L, P2885L.
Identifiers: ClinVar variation 1481384 (VCV001481384.7), dbSNP rs769938895, ClinGen allele CA670702.